The following is an entry in ClinVar:

ClinVar aggregate classification (germline): Likely benign (0 of 4 stars; one submission).

Conditions:
XIRP2-related disorder. Also called: XIRP2-related condition.

Allele frequency attached by ClinVar (database versions not stated): TOPMed 0.00002; gnomAD 0.00003; gnomAD exomes 0.00003.
gnomAD v4.1: 57 of 1,613,268 alleles (0.0035%); highest among the groups gnomAD compares: Non-Finnish European, 0.0034%; no homozygotes.

Submission:

PreventionGenetics, part of Exact Sciences
Classification: Likely benign for XIRP2-related condition. Last evaluated: 2019-06-21. Review status: no assertion criteria provided. Collection method: clinical testing. Allele origin: germline.
Comment: This variant is classified as likely benign based on ACMG/AMP sequence variant interpretation guidelines (Richards et al. 2015 PMID: 25741868, with internal and published modifications).

NM_152381.6(XIRP2):c.5541C>G (p.Ser1847=)

Gene: XIRP2 (xin actin binding repeat containing 2; plus strand). Cytogenetic location: 2q24.3.
Variant type: single nucleotide variant.
Coding change: c.5541C>G on transcript NM_152381.6 (MANE Select); coding-DNA position 5541, C replaced by G.
Protein change: p.Ser1847=; no amino-acid change (serine 1847 retained).
Molecular consequence: synonymous variant. On other transcripts: intron variant (3).
Genome position (GRCh38, 1-based): chr2:167,246,933, C>G. VCF-style: chr2-167246933-C-G. GRCh37 (hg19) VCF-style: chr2-168103443-C-G.
Other names: c.4875C>G, p.Ser1625= (NM_001199144.2); c.1275+5023C>G (NM_001199143.2); c.1176+5023C>G (NM_001079810.4); c.510+5023C>G (NM_001199145.2).
Identifiers: ClinVar variation 3042830 (VCV003042830.2), dbSNP rs202048342, ClinGen allele CA1947235.